The following is an entry in ClinVar:

ClinVar aggregate classification (germline): Pathogenic (1 of 4 stars; one submission).

Conditions:
Medium-chain acyl-coenzyme A dehydrogenase deficiency (ACADMD). Also called: MCADH DEFICIENCY; MCADD; MCAD Deficiency; ACADM DEFICIENCY; CARNITINE DEFICIENCY SECONDARY TO MEDIUM-CHAIN ACYL-CoA DEHYDROGENASE DEFICIENCY; Medium chain acyl-CoA dehydrogenase deficiency. Identifiers: Orphanet 42, MedGen C0220710, MONDO:0008721, OMIM 201450.

Submission:

Labcorp Genetics (formerly Invitae), Labcorp
Classification: Pathogenic for Medium-chain acyl-coenzyme A dehydrogenase deficiency. Last evaluated: 2024-01-22. Review status: criteria provided, single submitter. Criteria: Invitae Variant Classification Sherloc (09022015). Collection method: clinical testing. Allele origin: germline.
Comment: This sequence change creates a premature translational stop signal (p.Pro92Serfs*13) in the ACADM gene. It is expected to result in an absent or disrupted protein product. Loss-of-function variants in ACADM are known to be pathogenic (PMID: 16121256, 20434380). This variant is not present in population databases (gnomAD no frequency). This variant has not been reported in the literature in individuals affected with ACADM-related conditions. For these reasons, this variant has been classified as Pathogenic.

Literature cited by the submitters: PubMed 16121256; PubMed 20434380.

NM_000016.6(ACADM):c.273dup (p.Pro92fs)

Gene: ACADM (acyl-CoA dehydrogenase medium chain; plus strand). Cytogenetic location: 1p31.1.
Variant type: Duplication.
Coding change: c.273dup on transcript NM_000016.6 (MANE Select); coding-DNA position 273, one base duplicated (T; older notation c.273dupT).
Protein change: p.Pro92fs; shifts the reading frame from proline 92.
Molecular consequence: frameshift variant. On other transcripts: 5 prime UTR variant (1).
Genome position (GRCh38, 1-based): chr1:75,732,909, T duplicated; the last of 2 consecutive T bases (chr1:75,732,908-75,732,909); duplicating either gives the same sequence. VCF-style (leftmost placement, unchanged base first): chr1-75732907-A-AT. GRCh37 (hg19) VCF-style: chr1-76198592-A-AT.
Other names: c.285dup, p.Pro96fs (NM_001127328.3); c.165dup, p.Pro56fs (NM_001286042.2); c.273dup, p.Pro92fs (NM_001286043.2); c.-113dup (NM_001286044.2); short protein forms P56fs, P96fs, P92fs.
Identifiers: ClinVar variation 2710723 (VCV002710723.3), dbSNP rs2525574376, ClinGen allele CA2697552480.